The following is an entry in ClinVar:

ClinVar aggregate classification (germline): Uncertain significance (1 of 4 stars; one submission).

Submission:

GeneDx
Classification: Uncertain significance. Last evaluated: 2025-03-27. Review status: criteria provided, single submitter. Criteria: GeneDx Variant Classification Process June 2021. Collection method: clinical testing. Allele origin: germline. Affected: yes.
Comment: Not observed at significant frequency in large population cohorts (gnomAD); Frameshift variant predicted to result in abnormal protein length as the last 276 amino acids are replaced with 24 different amino acids with an unclear effect on protein function; Has not been previously published as pathogenic or benign to our knowledge; Variants in candidate genes are classified as variants of uncertain significance in accordance with ACMG guidelines (PMID: 25741868)

NM_001195605.2(ZNF865):c.2351del (p.Gly784fs)

Gene: ZNF865 (zinc finger protein 865; plus strand). Cytogenetic location: 19q13.42.
Variant type: Deletion.
Coding change: c.2351del on transcript NM_001195605.2 (MANE Select); coding-DNA position 2351, one base deleted (G; older notation c.2351delG).
Protein change: p.Gly784fs; shifts the reading frame from glycine 784.
Molecular consequence: frameshift variant.
Genome position (GRCh38, 1-based): chr19:55,615,969, G deleted; the last of 5 consecutive G bases (chr19:55,615,965-55,615,969); deleting any one gives the same sequence. VCF-style (leftmost placement, unchanged base first): chr19-55615964-CG-C. GRCh37 (hg19) VCF-style: chr19-56127330-CG-C.
Other names: short protein forms G784fs.
Identifiers: ClinVar variation 4282478 (VCV004282478.1).